The following is an entry in ClinVar:

NM_206933.4(USH2A):c.14627T>C (p.Leu4876Pro)

Gene: USH2A (usherin; minus strand). Cytogenetic location: 1q41.
Variant type: single nucleotide variant.
Coding change: c.14627T>C on transcript NM_206933.4 (MANE Select); coding-DNA position 14627, T replaced by C.
Protein change: p.Leu4876Pro; replaces leucine 4876 with proline.
Molecular consequence: missense variant.
Genome position (GRCh38, 1-based): chr1:215,647,686, A>G on the plus strand (T>C on the coding strand, the complement: USH2A is on the minus strand). VCF-style: chr1-215647686-A-G. GRCh37 (hg19) VCF-style: chr1-215821028-A-G.
Other names: short protein forms L4876P.
Identifiers: ClinVar variation 2113828 (VCV002113828.3), dbSNP rs1462204685, ClinGen allele CA344832008.
Genomic context (GRCh38, chr1:215,647,686, plus strand): 5'-AGGCTGGCTTTCTGCCCCAGCCCCGTGTACTTTGTTTCTATTTGGCTGGGAGTACAGGGG[A>G]GGGCTGAGTCAGGAGGGCAAGCCACGTGGAATTGGAGTTCATAGCTAAAATGAGAATGGA-3'
Protein context (NP_996816.3, residues 4866-4886): FHVACPPDSA[Leu4876Pro]PCTPSQIETK

ClinVar aggregate classification (germline): Uncertain significance (1 of 4 stars; one submission).

Submission:

Labcorp Genetics (formerly Invitae), Labcorp
Classification: Uncertain significance. Last evaluated: 2022-03-26. Review status: criteria provided, single submitter. Criteria: Invitae Variant Classification Sherloc (09022015). Collection method: clinical testing. Allele origin: germline.
Comment: This variant has not been reported in the literature in individuals affected with USH2A-related conditions. Algorithms developed to predict the effect of missense changes on protein structure and function output the following: SIFT: "Tolerated"; PolyPhen-2: "Benign"; Align-GVGD: "Class C0". The proline amino acid residue is found in multiple mammalian species, which suggests that this missense change does not adversely affect protein function. In summary, the available evidence is currently insufficient to determine the role of this variant in disease. Therefore, it has been classified as a Variant of Uncertain Significance. This sequence change replaces leucine, which is neutral and non-polar, with proline, which is neutral and non-polar, at codon 4876 of the USH2A protein (p.Leu4876Pro). This variant is not present in population databases (gnomAD no frequency).